The following is an entry in ClinVar:

NM_014855.3(AP5Z1):c.536G>A (p.Arg179Gln)

Gene: AP5Z1 (adaptor related protein complex 5 subunit zeta 1; plus strand). Cytogenetic location: 7p22.1.
Variant type: single nucleotide variant.
Coding change: c.536G>A on transcript NM_014855.3 (MANE Select); coding-DNA position 536, G replaced by A.
Protein change: p.Arg179Gln; replaces arginine 179 with glutamine.
Molecular consequence: missense variant. On other transcripts: non-coding transcript variant (1).
Genome position (GRCh38, 1-based): chr7:4,783,713, G>A. VCF-style: chr7-4783713-G-A. GRCh37 (hg19) VCF-style: chr7-4823344-G-A.
Other names: c.68G>A, p.Arg23Gln (NM_001364858.1); short protein forms R179Q, R23Q.
Identifiers: ClinVar variation 1344235 (VCV001344235.10), dbSNP rs569233326, ClinGen allele CA4137259.

ClinVar aggregate classification (germline): Uncertain significance. Review status: criteria provided, multiple submitters, no conflicts (2 of 4 stars). 2 submissions from 2 submitters: Uncertain significance (2). Last evaluated 2024-11-18.

Conditions:
Hereditary spastic paraplegia 48. Also called: SPASTIC PARAPLEGIA 48, AUTOSOMAL RECESSIVE; Spastic paraplegia 48. Identifiers: Orphanet 306511, MedGen C3150901, MONDO:0013342, OMIM 613647.
Hereditary spastic paraplegia. Also called: Familial spastic paraparesis. Identifiers: Orphanet 685, MedGen C0037773, MONDO:0019064. Disease mechanism: loss of function.

Allele frequency attached by ClinVar (database versions not stated): gnomAD exomes 0.00005 and 0.00012; ExAC 0.00006; gnomAD 0.00006; 1000 Genomes Project 30x 0.00016; 1000 Genomes Project 0.00020.
gnomAD v4.1: 171 of 1,550,538 alleles (0.011%); highest among the groups gnomAD compares: South Asian, 0.019%; no homozygotes.

Submissions (2):

Labcorp Genetics (formerly Invitae), Labcorp
Classification: Uncertain significance for Hereditary spastic paraplegia 48. Last evaluated: 2024-11-18. Review status: criteria provided, single submitter. Criteria: Invitae Variant Classification Sherloc (09022015). Collection method: clinical testing. Allele origin: germline.
Comment: This sequence change replaces arginine, which is basic and polar, with glutamine, which is neutral and polar, at codon 179 of the AP5Z1 protein (p.Arg179Gln). This variant is present in population databases (rs569233326, gnomAD 0.02%). This variant has not been reported in the literature in individuals affected with AP5Z1-related conditions. ClinVar contains an entry for this variant (Variation ID: 1344235). Invitae Evidence Modeling of protein sequence and biophysical properties (such as structural, functional, and spatial information, amino acid conservation, physicochemical variation, residue mobility, and thermodynamic stability) indicates that this missense variant is not expected to disrupt AP5Z1 protein function with a negative predictive value of 80%. In summary, the available evidence is currently insufficient to determine the role of this variant in disease. Therefore, it has been classified as a Variant of Uncertain Significance.

Genome Diagnostics Laboratory, The Hospital for Sick Children
Classification: Uncertain significance for Hereditary spastic paraplegia. Last evaluated: 2018-02-01. Review status: criteria provided, single submitter. Criteria: ACMG Guidelines, 2015. Collection method: clinical testing. Allele origin: germline. Affected: yes.